The following is an entry in ClinVar:

NM_000797.4(DRD4):c.1058-32G>C

Gene: DRD4 (dopamine receptor D4; plus strand). Cytogenetic location: 11p15.5.
Variant type: single nucleotide variant.
Coding change: c.1058-32G>C on transcript NM_000797.4 (MANE Select); 32 bases into the intron before coding-DNA position 1058, G replaced by C.
Molecular consequence: intron variant.
Genome position (GRCh38, 1-based): chr11:640,369, G>C. VCF-style: chr11-640369-G-C. GRCh37 (hg19) VCF-style: chr11-640369-G-C.
Identifiers: ClinVar variation 2507406 (VCV002507406.1), dbSNP rs1870724, ClinGen allele CA5785949.
Genomic context (GRCh38, chr11:640,369, plus strand): 5'-GGGTTCCTGTCCTGAGGGGCGGGGAGGAGAGGAGGGGGGGGGTACGAGGCCGGCTGGGCG[G>C]GGGGCGCTAACGCGGCTCTCGGCGCCCCCAGGGGCCTTCCTGCTGTGCTGGACGCCCTTC-3'

ClinVar aggregate classification (germline): Uncertain significance (1 of 4 stars; one submission).

Conditions:
Hereditary attention deficit-hyperactivity disorder. Also called: HYPERACTIVITY OF CHILDHOOD. Identifiers: MedGen CN324066, MONDO:0100518, OMIM 143465.

Allele frequency attached by ClinVar (database versions not stated): gnomAD exomes 0.24466; 1000 Genomes Project 0.28514; gnomAD 0.29133; TOPMed 0.30536; ESP Exome Variant Server 0.32457; ExAC 0.32984.

Submission:

Clinical Genomics, Uppaluri K&H Personalized Medicine Clinic
Classification: Uncertain significance for Hereditary attention deficit-hyperactivity disorder. Review status: criteria provided, single submitter. Criteria: K &amp; H Uppaluri Personalized Medicine Clinic Variant Classification &amp; Assertion Criteria_Updated V.1. Collection method: clinical testing. Allele origin: germline. Inheritance: Autosomal dominant inheritance. Affected: yes. Observed: 1 heterozygote.
Comment: Potent mutations in Dopamine receptor uptake gene leads to decreased brain uptake of neuromodulator dopamine and are strongly associated with onset of Attention deficit hyperactivity disorder. However more evidence is required to confer the association of this particular rs1870724 with Attention deficit hyperactivity disorder.

Literature cited by the submitters: PubMed 20644990; PubMed 36211978; PubMed 10654656; PubMed 30099719; PubMed 25262643; PubMed 29781347.